The following is an entry in ClinVar:

ClinVar aggregate classification (germline): Uncertain significance (1 of 4 stars; one submission).

gnomAD v4.1: 2 of 1,614,010 alleles (0.00012%); highest among the groups gnomAD compares: Non-Finnish European, 0.000085%; no homozygotes.

Submission:

Labcorp Genetics (formerly Invitae), Labcorp
Classification: Uncertain significance. Last evaluated: 2025-07-16. Review status: criteria provided, single submitter. Criteria: Invitae Variant Classification Sherloc (09022015). Collection method: clinical testing. Allele origin: germline.
Comment: This sequence change replaces aspartic acid, which is acidic and polar, with glutamic acid, which is acidic and polar, at codon 648 of the TET2 protein (p.Asp648Glu). This variant is present in population databases (no rsID available, gnomAD 0.0009%). This variant has not been reported in the literature in individuals affected with TET2-related conditions. An algorithm developed to predict the effect of missense changes on protein structure and function (PolyPhen-2) suggests that this variant is likely to be tolerated. In summary, the available evidence is currently insufficient to determine the role of this variant in disease. Therefore, it has been classified as a Variant of Uncertain Significance.

NM_001127208.3(TET2):c.1944C>A (p.Asp648Glu)

Genes: TET2 (tet methylcytosine dioxygenase 2; plus strand), TET2-AS1 (TET2 antisense RNA 1; minus strand). Cytogenetic location: 4q24.
Variant type: single nucleotide variant.
Coding change: c.1944C>A on transcript NM_001127208.3 (MANE Select); coding-DNA position 1944, C replaced by A.
Protein change: p.Asp648Glu; replaces aspartic acid 648 with glutamic acid.
Molecular consequence: missense variant.
Genome position (GRCh38, 1-based): chr4:105,235,886, C>A. VCF-style: chr4-105235886-C-A. GRCh37 (hg19) VCF-style: chr4-106157043-C-A.
Other names: c.1944C>A, p.Asp648Glu (NM_017628.4); short protein forms D648E.
Identifiers: ClinVar variation 4690831 (VCV004690831.1).